The following is an entry in ClinVar:

NM_000179.3(MSH6):c.3876A>C (p.Gly1292=)

Gene: MSH6 (mutS homolog 6; plus strand). Cytogenetic location: 2p16.3.
Variant type: single nucleotide variant.
Coding change: c.3876A>C on transcript NM_000179.3 (MANE Select); coding-DNA position 3876, A replaced by C.
Protein change: p.Gly1292=; no amino-acid change (glycine 1292 retained).
Molecular consequence: synonymous variant.
Genome position (GRCh38, 1-based): chr2:47,806,526, A>C. VCF-style: chr2-47806526-A-C. GRCh37 (hg19) VCF-style: chr2-48033665-A-C.
Other names: c.3486A>C, p.Gly1162= (NM_001281492.2); c.2970A>C, p.Gly990= (NM_001281493.2, NM_001281494.2).
Identifiers: ClinVar variation 630721 (VCV000630721.16), dbSNP rs1558393596, ClinGen allele CA426122133.

ClinVar aggregate classification (germline): Benign/Likely benign. Review status: criteria provided, multiple submitters, no conflicts (2 of 4 stars). 5 submissions from 5 submitters: Benign (1); Likely benign (4). Last evaluated 2025-01-08.

Conditions:
Hereditary cancer-predisposing syndrome. Also called: Tumor predisposition; Neoplastic Syndromes, Hereditary; Hereditary neoplastic syndrome; Hereditary Cancer Syndrome. Identifiers: Orphanet 140162, MedGen C0027672, MeSH D009386, MONDO:0015356.
Hereditary nonpolyposis colorectal neoplasms. Identifiers: MedGen C0009405, MeSH D003123.
Lynch syndrome 5 (LYNCH5). Also called: Hereditary non-polyposis colorectal cancer, type 5; Colorectal cancer, hereditary nonpolyposis, type 5. Identifiers: Orphanet 144, MedGen C1833477, MONDO:0013710, OMIM 614350. Disease mechanism: loss of function.
Lynch syndrome. Identifiers: Orphanet 144, MedGen C4552100, MONDO:0005835. Disease mechanism: loss of function.

Submissions (5):

Myriad Genetics, Inc.
Classification: Benign for Lynch syndrome 5. Last evaluated: 2025-01-08. Review status: criteria provided, single submitter. Criteria: Myriad Autosomal Dominant, Autosomal Recessive and X-Linked Classification Criteria (2023). Collection method: clinical testing. Allele origin: unknown.
Comment: This variant is considered benign. This variant is a silent/synonymous amino acid change and it is not expected to impact splicing.

All of Us Research Program, National Institutes of Health
Classification: Likely benign for Lynch syndrome. Last evaluated: 2023-08-15. Review status: criteria provided, single submitter. Criteria: ACMG Guidelines, 2015. Collection method: clinical testing. Allele origin: germline. Inheritance: Autosomal dominant inheritance. Observed: 1 variant allele, 1 heterozygote.
Comment: This study involves interpretation of variants in research participants for the purpose of population health screening. Participant phenotype was not available at the time of variant classification. Additional details can be found in publication PMID: 35346344, PMCID: PMC8962531

Labcorp Genetics (formerly Invitae), Labcorp
Classification: Likely benign for Hereditary nonpolyposis colorectal neoplasms. Last evaluated: 2021-04-04. Review status: criteria provided, single submitter. Criteria: Invitae Variant Classification Sherloc (09022015). Collection method: clinical testing. Allele origin: germline.

Ambry Genetics
Classification: Likely benign for Hereditary cancer-predisposing syndrome. Last evaluated: 2019-02-14. Review status: criteria provided, single submitter. Criteria: Ambry Variant Classification Scheme 2023. Collection method: clinical testing. Allele origin: germline.

Color Diagnostics, LLC DBA Color Health
Classification: Likely benign for Hereditary cancer-predisposing syndrome. Last evaluated: 2017-10-26. Review status: criteria provided, single submitter. Criteria: ACMG Guidelines, 2015. Collection method: clinical testing. Allele origin: germline.